The following is an entry in ClinVar:

NM_016222.4(DDX41):c.1445A>G (p.Lys482Arg)

Gene: DDX41 (DEAD-box helicase 41; minus strand). Cytogenetic location: 5q35.3.
Variant type: single nucleotide variant.
Coding change: c.1445A>G on transcript NM_016222.4 (MANE Select); coding-DNA position 1445, A replaced by G.
Protein change: p.Lys482Arg; replaces lysine 482 with arginine.
Molecular consequence: missense variant.
Genome position (GRCh38, 1-based): chr5:177,512,600, T>C on the plus strand (A>G on the coding strand, the complement: DDX41 is on the minus strand). VCF-style: chr5-177512600-T-C. GRCh37 (hg19) VCF-style: chr5-176939601-T-C.
Other names: c.1067A>G, p.Lys356Arg (NM_001321732.2, NM_001321830.2); short protein forms K356R, K482R.
Identifiers: ClinVar variation 4841781 (VCV004841781.1).

ClinVar aggregate classification (germline): Uncertain significance (1 of 4 stars; one submission).

Conditions:
Inborn genetic diseases. Identifiers: MedGen C0950123, MeSH D030342.

gnomAD v4.1: 3 of 1,614,166 alleles (0.00019%); highest among the groups gnomAD compares: South Asian, 0.0022%; no homozygotes.

Submission:

Ambry Genetics
Classification: Uncertain significance for Inborn genetic diseases. Last evaluated: 2025-12-15. Review status: criteria provided, single submitter. Criteria: Ambry Variant Classification Scheme 2023. Collection method: clinical testing. Allele origin: germline.
Comment: The p.K482R variant (also known as c.1445A>G), located in coding exon 14 of the DDX41 gene, results from an A to G substitution at nucleotide position 1445. The lysine at codon 482 is replaced by arginine, an amino acid with highly similar properties. This amino acid position is highly conserved in available vertebrate species. In addition, the in silico prediction for this alteration is inconclusive. Based on the available evidence, the clinical significance of this variant remains unclear.